The following is an entry in ClinVar:

ClinVar aggregate classification (germline): Uncertain significance (1 of 4 stars; one submission).

Conditions:
Epidermolysis bullosa simplex 5B, with muscular dystrophy (EBS5B). Also called: Epidermolysis bullosa simplex with muscular dystrophy; EPIDERMOLYSIS BULLOSA SIMPLEX AND LIMB-GIRDLE MUSCULAR DYSTROPHY. Identifiers: Orphanet 257, MedGen C2931072, MONDO:0009181, OMIM 226670.
Epidermolysis bullosa simplex, Ogna type (EBS5A). Also called: Pidermolysis bullosa simplex 5A, Ogna type; EPIDERMOLYSIS BULLOSA SIMPLEX 5A, OGNA TYPE. Identifiers: Orphanet 79401, MedGen C0432317, MONDO:0007555, OMIM 131950.
Epidermolysis bullosa simplex 5C, with pyloric atresia (EBS5C). Also called: PLEC-Related Epidermolysis Bullosa with Pyloric Atresia; Epidermolysis bullosa simplex with pyloric atresia; PLEC1-Related Epidermolysis Bullosa with Pyloric Atresia. Identifiers: Orphanet 158684, MedGen C2677349, MONDO:0012807, OMIM 612138.
Autosomal recessive limb-girdle muscular dystrophy type 2Q (LGMDR17). Also called: MUSCULAR DYSTROPHY, LIMB-GIRDLE, AUTOSOMAL RECESSIVE 17. Identifiers: Orphanet 254361, MedGen C3150989, MONDO:0013390, OMIM 613723.
Epidermolysis bullosa simplex with nail dystrophy (EBS5D). Identifiers: MedGen C4225309, MONDO:0014661, OMIM 616487.

Allele frequency attached by ClinVar (database versions not stated): gnomAD exomes below 0.00001.

Submission:

Labcorp Genetics (formerly Invitae), Labcorp
Classification: Uncertain significance for Autosomal recessive limb-girdle muscular dystrophy type 2Q; Epidermolysis bullosa simplex, Ogna type; Epidermolysis bullosa simplex with nail dystrophy; Epidermolysis bullosa simplex 5C, with pyloric atresia; Epidermolysis bullosa simplex 5B, with muscular dystrophy. Last evaluated: 2022-03-19. Review status: criteria provided, single submitter. Criteria: Invitae Variant Classification Sherloc (09022015). Collection method: clinical testing. Allele origin: germline.
Comment: Algorithms developed to predict the effect of missense changes on protein structure and function are either unavailable or do not agree on the potential impact of this missense change (SIFT: "Deleterious"; PolyPhen-2: "Not Available"; Align-GVGD: "Class C65"). This variant has not been reported in the literature in individuals affected with PLEC-related conditions. This variant is not present in population databases (gnomAD no frequency). This sequence change replaces tyrosine, which is neutral and polar, with histidine, which is basic and polar, at codon 1360 of the PLEC protein (p.Tyr1360His). In summary, the available evidence is currently insufficient to determine the role of this variant in disease. Therefore, it has been classified as a Variant of Uncertain Significance.

NM_201384.3(PLEC):c.3997T>C (p.Tyr1333His)

Gene: PLEC (plectin; minus strand). Cytogenetic location: 8q24.3.
Variant type: single nucleotide variant.
Coding change: c.3997T>C on transcript NM_201384.3 (MANE Select); coding-DNA position 3997, T replaced by C.
Protein change: p.Tyr1333His; replaces tyrosine 1333 with histidine.
Molecular consequence: missense variant.
Genome position (GRCh38, 1-based): chr8:143,926,831, A>G on the plus strand (T>C on the coding strand, the complement: PLEC is on the minus strand). VCF-style: chr8-143926831-A-G. GRCh37 (hg19) VCF-style: chr8-145000999-A-G.
Other names: c.4078T>C, p.Tyr1360His (NM_000445.5, NM_001410941.1); c.3955T>C, p.Tyr1319His (NM_201378.4); c.3931T>C, p.Tyr1311His (NM_201379.3); c.4408T>C, p.Tyr1470His (NM_201380.4); c.3901T>C, p.Tyr1301His (NM_201381.3); c.3997T>C, p.Tyr1333His (NM_201382.4); c.4009T>C, p.Tyr1337His (NM_201383.3); short protein forms Y1319H, Y1301H, Y1311H, Y1333H, Y1360H, Y1337H, Y1470H.
Identifiers: ClinVar variation 2167705 (VCV002167705.4), dbSNP rs2538201397, ClinGen allele CA372563212.